The following is an entry in ClinVar:

ClinVar aggregate classification (germline): Benign/Likely benign. Review status: criteria provided, multiple submitters, no conflicts (2 of 4 stars). 2 submissions from 2 submitters: Benign (1); Likely benign (1). Last evaluated 2024-10-01.

Conditions:
Hereditary cancer-predisposing syndrome. Also called: Neoplastic Syndromes, Hereditary; Tumor predisposition; Hereditary Cancer Syndrome; Hereditary neoplastic syndrome. Identifiers: Orphanet 140162, MedGen C0027672, MeSH D009386, MONDO:0015356.
Familial cancer of breast. Also called: BREAST CANCER, FAMILIAL; Hereditary breast cancer; hereditary breast carcinoma. Identifiers: Orphanet 227535, MedGen C0346153, MONDO:0016419, OMIM 114480. Disease mechanism: loss of function.

Submissions (2):

Myriad Genetics, Inc.
Classification: Benign for Familial cancer of breast. Last evaluated: 2024-10-01. Review status: criteria provided, single submitter. Criteria: Myriad Autosomal Dominant, Autosomal Recessive and X-Linked Classification Criteria (2023). Collection method: clinical testing. Allele origin: unknown.
Comment: This variant is considered benign. This variant is a silent/synonymous amino acid change and it is not expected to impact splicing.

Ambry Genetics
Classification: Likely benign for Hereditary cancer-predisposing syndrome. Last evaluated: 2015-09-14. Review status: criteria provided, single submitter. Criteria: Ambry Variant Classification Scheme 2023. Collection method: clinical testing. Allele origin: germline.

NM_007194.4(CHEK2):c.171T>A (p.Ser57=)

Gene: CHEK2 (checkpoint kinase 2; minus strand). Cytogenetic location: 22q12.1.
Variant type: single nucleotide variant.
Coding change: c.171T>A on transcript NM_007194.4 (MANE Select); coding-DNA position 171, T replaced by A.
Protein change: p.Ser57=; no amino-acid change (serine 57 retained).
Molecular consequence: synonymous variant.
Genome position (GRCh38, 1-based): chr22:28,734,551, A>T on the plus strand (T>A on the coding strand, the complement: CHEK2 is on the minus strand). VCF-style: chr22-28734551-A-T. GRCh37 (hg19) VCF-style: chr22-29130539-A-T.
Other names: c.171T>A, p.Ser57= (NM_001005735.3, NM_001349956.3, NM_145862.3); c.-607T>A (NM_001257387.3).
Identifiers: ClinVar variation 819921 (VCV000819921.5), dbSNP rs1555932401, ClinGen allele CA513946566.